The following is an entry in ClinVar:

NM_002471.4(MYH6):c.4746C>G (p.Asp1582Glu)

Genes: MYH6 (myosin heavy chain 6; minus strand), LOC126861896 (BRD4-independent group 4 enhancer GRCh37_chr14:23854904-23856103; plus strand). Cytogenetic location: 14q11.2.
Variant type: single nucleotide variant.
Coding change: c.4746C>G on transcript NM_002471.4 (MANE Select); coding-DNA position 4746, C replaced by G.
Protein change: p.Asp1582Glu; replaces aspartic acid 1582 with glutamic acid.
Molecular consequence: missense variant.
Genome position (GRCh38, 1-based): chr14:23,386,528, G>C on the plus strand (C>G on the coding strand, the complement: MYH6 is on the minus strand). VCF-style: chr14-23386528-G-C. GRCh37 (hg19) VCF-style: chr14-23855737-G-C.
Other names: short protein forms D1582E.
Identifiers: ClinVar variation 1742799 (VCV001742799.2), dbSNP rs781492953, ClinGen allele CA388992490.
Genomic context (GRCh38, chr14:23,386,528, plus strand): 5'-GGAGGTCTGCAGCGAGTCCACCACCCGCTGGTGGTTGCGCTTGGCCTGTTCCATCTCCTC[G>C]TCCTTCTCTGCCAGCTTCCGCTCGATCTCTGCCTTGATCTGGTTGAACTCTAGCTGGGCC-3'
Protein context (NP_002462.2, residues 1572-1592): AEIERKLAEK[Asp1582Glu]EEMEQAKRNH

ClinVar aggregate classification (germline): Uncertain significance (1 of 4 stars; one submission).

Conditions:
Cardiovascular phenotype. Identifiers: MedGen CN230736.

Allele frequency attached by ClinVar (database versions not stated): gnomAD 0.00001.
gnomAD v4.1: 19 of 1,613,908 alleles (0.0012%); highest among the groups gnomAD compares: Non-Finnish European, 0.0014%; no homozygotes.

Submission:

Ambry Genetics
Classification: Uncertain significance for Cardiovascular phenotype. Last evaluated: 2020-02-11. Review status: criteria provided, single submitter. Criteria: Ambry Variant Classification Scheme 2023. Collection method: clinical testing. Allele origin: germline.
Comment: The p.D1582E variant (also known as c.4746C>G), located in coding exon 31 of the MYH6 gene, results from a C to G substitution at nucleotide position 4746. The aspartic acid at codon 1582 is replaced by glutamic acid, an amino acid with highly similar properties. This amino acid position is highly conserved in available vertebrate species. In addition, this alteration is predicted to be tolerated by in silico analysis. Since supporting evidence is limited at this time, the clinical significance of this alteration remains unclear.